The following is an entry in ClinVar:

NM_001199198.3(TBC1D23):c.538C>T (p.Pro180Ser)

Gene: TBC1D23 (TBC1 domain family member 23; plus strand). Cytogenetic location: 3q12.1.
Variant type: single nucleotide variant.
Coding change: c.538C>T on transcript NM_001199198.3 (MANE Select); coding-DNA position 538, C replaced by T.
Protein change: p.Pro180Ser; replaces proline 180 with serine.
Molecular consequence: missense variant.
Genome position (GRCh38, 1-based): chr3:100,290,639, C>T. VCF-style: chr3-100290639-C-T. GRCh37 (hg19) VCF-style: chr3-100009483-C-T.
Other names: c.538C>T, p.Pro180Ser (NM_018309.5); short protein forms P180S.
Identifiers: ClinVar variation 1031926 (VCV001031926.1), dbSNP rs2067781962, ClinGen allele CA353828163.
Genomic context (GRCh38, chr3:100,290,639, plus strand): 5'-GATTGTTCCCAGAAAGGGAGACCATTTCATCTCTTCAGGTTGCTCATCCAATACCATGAG[C>T]CTGAGCTTTGTTCTTATCTTGATACAAAGAAAATTACTCCAGACTCCTATGCACTCAACT-3'
Protein context (NP_001186127.1, residues 170-190): LFRLLIQYHE[Pro180Ser]ELCSYLDTKK

ClinVar aggregate classification (germline): Uncertain significance (1 of 4 stars; one submission).

Conditions:
Pontocerebellar hypoplasia, type 11. Identifiers: Orphanet 611247, MedGen C4540164, MONDO:0054669, OMIM 617695.

Submission:

Baylor Genetics
Classification: Uncertain significance for Pontocerebellar hypoplasia, type 11. Last evaluated: 2018-10-25. Review status: criteria provided, single submitter. Criteria: ACMG Guidelines, 2015. Collection method: clinical testing. Allele origin: paternal. Affected: yes.
Comment: This variant was determined to be of uncertain significance according to ACMG Guidelines, 2015 [PMID:25741868].